The following is an entry in ClinVar:

ClinVar aggregate classification (germline): Uncertain significance (1 of 4 stars; one submission).

Submission:

Labcorp Genetics (formerly Invitae), Labcorp
Classification: Uncertain significance. Last evaluated: 2023-06-07. Review status: criteria provided, single submitter. Criteria: Invitae Variant Classification Sherloc (09022015). Collection method: clinical testing. Allele origin: germline.
Comment: In summary, the available evidence is currently insufficient to determine the role of this variant in disease. Therefore, it has been classified as a Variant of Uncertain Significance. This sequence change replaces alanine, which is neutral and non-polar, with proline, which is neutral and non-polar, at codon 618 of the AMER1 protein (p.Ala618Pro). This variant is not present in population databases (gnomAD no frequency). This variant has not been reported in the literature in individuals affected with AMER1-related conditions. An algorithm developed to predict the effect of missense changes on protein structure and function (PolyPhen-2) suggests that this variant is likely to be tolerated.

NM_152424.4(AMER1):c.1852G>C (p.Ala618Pro)

Gene: AMER1 (APC membrane recruitment protein 1; minus strand). Cytogenetic location: Xq11.2.
Variant type: single nucleotide variant.
Coding change: c.1852G>C on transcript NM_152424.4 (MANE Select); coding-DNA position 1852, G replaced by C.
Protein change: p.Ala618Pro; replaces alanine 618 with proline.
Molecular consequence: missense variant.
Genome position (GRCh38, 1-based): chrX:64,191,435, C>G on the plus strand (G>C on the coding strand, the complement: AMER1 is on the minus strand). VCF-style: chrX-64191435-C-G. GRCh37 (hg19) VCF-style: chrX-63411315-C-G.
Other names: short protein forms A618P.
Identifiers: ClinVar variation 2698546 (VCV002698546.3), dbSNP rs2147087313, ClinGen allele CA413306013.